The following is an entry in ClinVar:

NM_138713.4(NFAT5):c.574A>T (p.Met192Leu)

Gene: NFAT5 (nuclear factor of activated T cells 5; plus strand). Cytogenetic location: 16q22.1.
Variant type: single nucleotide variant.
Coding change: c.574A>T on transcript NM_138713.4 (MANE Select); coding-DNA position 574, A replaced by T.
Protein change: p.Met192Leu; replaces methionine 192 with leucine.
Molecular consequence: missense variant. On other transcripts: intron variant (1).
Genome position (GRCh38, 1-based): chr16:69,647,348, A>T. VCF-style: chr16-69647348-A-T. GRCh37 (hg19) VCF-style: chr16-69681251-A-T.
Other names: c.574A>T, p.Met192Leu (NM_001113178.3); c.520A>T, p.Met174Leu (NM_006599.4); c.292A>T, p.Met98Leu (NM_138714.4, NM_173214.3, NM_173215.3); c.140+181A>T (NM_001367709.1); short protein forms M174L, M192L, M98L.
Identifiers: ClinVar variation 4723645 (VCV004723645.1).

ClinVar aggregate classification (germline): Uncertain significance (1 of 4 stars; one submission).

Conditions:
Immunodeficiency. Identifiers: MedGen C0021051, MONDO:0021094, HP:0002721.

Submission:

Labcorp Genetics (formerly Invitae), Labcorp
Classification: Uncertain significance for Immunodeficiency. Last evaluated: 2025-10-06. Review status: criteria provided, single submitter. Criteria: Invitae Variant Classification Sherloc (09022015). Collection method: clinical testing. Allele origin: germline.
Comment: This sequence change replaces methionine, which is neutral and non-polar, with leucine, which is neutral and non-polar, at codon 98 of the NFAT5 protein (p.Met98Leu). This variant is not present in population databases (gnomAD no frequency). This variant has not been reported in the literature in individuals affected with NFAT5-related conditions. An algorithm developed to predict the effect of missense changes on protein structure and function (PolyPhen-2) suggests that this variant is likely to be tolerated. In summary, the available evidence is currently insufficient to determine the role of this variant in disease. Therefore, it has been classified as a Variant of Uncertain Significance.